The following is an entry in ClinVar:

ClinVar aggregate classification (germline): Uncertain significance (1 of 4 stars; one submission).

Submission:

Labcorp Genetics (formerly Invitae), Labcorp
Classification: Uncertain significance. Last evaluated: 2025-02-04. Review status: criteria provided, single submitter. Criteria: Invitae Variant Classification Sherloc (09022015). Collection method: clinical testing. Allele origin: germline.
Comment: This sequence change replaces leucine, which is neutral and non-polar, with arginine, which is basic and polar, at codon 887 of the TAOK2 protein (p.Leu887Arg). This variant is not present in population databases (gnomAD no frequency). This variant has not been reported in the literature in individuals affected with TAOK2-related conditions. ClinVar contains an entry for this variant (Variation ID: 2868640). An algorithm developed to predict the effect of missense changes on protein structure and function (PolyPhen-2) suggests that this variant is likely to be tolerated. In summary, the available evidence is currently insufficient to determine the role of this variant in disease. Therefore, it has been classified as a Variant of Uncertain Significance.

NM_016151.4(TAOK2):c.2660T>G (p.Leu887Arg)

Gene: TAOK2 (TAO kinase 2; plus strand). Cytogenetic location: 16p11.2.
Variant type: single nucleotide variant.
Coding change: c.2660T>G on transcript NM_016151.4 (MANE Select); coding-DNA position 2660, T replaced by G.
Protein change: p.Leu887Arg; replaces leucine 887 with arginine.
Molecular consequence: missense variant. On other transcripts: intron variant (1).
Genome position (GRCh38, 1-based): chr16:29,986,932, T>G. VCF-style: chr16-29986932-T-G. GRCh37 (hg19) VCF-style: chr16-29998253-T-G.
Other names: c.2321T>G, p.Leu774Arg (NM_001252043.2); c.2232+428T>G (NM_004783.4); short protein forms L774R, L887R.
Identifiers: ClinVar variation 2868640 (VCV002868640.3), dbSNP rs771398541, ClinGen allele CA395493701.
Genomic context (GRCh38, chr16:29,986,932, plus strand): 5'-CTGGGACATGGAGCTTGTGGGGGAAGGAGGATGAGAGTCTTCTGGATGAGGAGTTTGAGC[T>G]TGGCTGGGTCCAGGGCCCAGCACTGACTCCCGTCCCTGAGGAGGAGGAAGAAGAGGAAGA-3'
Protein context (NP_057235.2, residues 877-897): DESLLDEEFE[Leu887Arg]GWVQGPALTP